The following is an entry in ClinVar:

NM_001077418.3(TMEM231):c.129C>T (p.Phe43=)

Gene: TMEM231 (transmembrane protein 231; minus strand). Cytogenetic location: 16q23.1.
Variant type: single nucleotide variant.
Coding change: c.129C>T on transcript NM_001077418.3 (MANE Select); coding-DNA position 129, C replaced by T.
Protein change: p.Phe43=; no amino-acid change (phenylalanine 43 retained).
Molecular consequence: synonymous variant. On other transcripts: missense variant (1), non-coding transcript variant (1).
Genome position (GRCh38, 1-based): chr16:75,556,081, G>A on the plus strand (C>T on the coding strand, the complement: TMEM231 is on the minus strand). VCF-style: chr16-75556081-G-A. GRCh37 (hg19) VCF-style: chr16-75589979-G-A.
Other names: c.191C>T, p.Ser64Phe (NM_001077416.2); short protein forms S64F.
Identifiers: ClinVar variation 287699 (VCV000287699.23), dbSNP rs377440297, ClinGen allele CA8176301.

ClinVar aggregate classification (germline): Conflicting classifications of pathogenicity. Review status: criteria provided, conflicting classifications (1 of 4 stars). 6 submissions from 6 submitters: Uncertain significance (2); Likely benign (3). 1 of the submissions does not count toward it. Last evaluated 2026-02-04.

Conditions:
TMEM231-related disorder. Also called: TMEM231-related condition.
Meckel syndrome, type 11 (MKS11). Identifiers: Orphanet 564, MedGen C3809352, MONDO:0014164, OMIM 615397.
Joubert syndrome 20 (JBTS20). Identifiers: Orphanet 475, MedGen C3554235, MONDO:0013994, OMIM 614970.

Allele frequency attached by ClinVar (database versions not stated): 1000 Genomes Project 30x 0.00031; TOPMed 0.00047; gnomAD exomes 0.00050 and 0.00075; gnomAD 0.00055 and 0.00058; ExAC 0.00094; ESP Exome Variant Server 0.00017; 1000 Genomes Project 0.00020.

Submissions (6):

Labcorp Genetics (formerly Invitae), Labcorp
Classification: Likely benign for Joubert syndrome 20; Meckel syndrome, type 11. Last evaluated: 2026-02-04. Review status: criteria provided, single submitter. Criteria: Invitae Variant Classification Sherloc (09022015). Collection method: clinical testing. Allele origin: germline.

Blueprint Genetics
Classification: Likely benign. Last evaluated: 2024-11-08. Review status: criteria provided, single submitter. Criteria: ACMG Guidelines, 2015. Collection method: clinical testing. Allele origin: germline.

GeneDx
Classification: Likely benign. Last evaluated: 2020-09-19. Review status: criteria provided, single submitter. Criteria: GeneDx Variant Classification Process June 2021. Collection method: clinical testing. Allele origin: germline. Affected: yes.
Comment: Has not been previously published as pathogenic or benign to our knowledge

Center for Pediatric Genomic Medicine, Children's Mercy Hospital and Clinics
Classification: Uncertain significance. Last evaluated: 2017-02-09. Review status: criteria provided, single submitter. Criteria: ACMG Guidelines, 2015. Collection method: clinical testing. Allele origin: germline.
ClinVar note: Converted during submission from Uncertain Significance to Uncertain significance.

Eurofins Ntd Llc (ga)
Classification: Uncertain significance. Last evaluated: 2016-06-09. Review status: criteria provided, single submitter. Criteria: EGL Classification Definitions 2015. Collection method: clinical testing. Allele origin: germline. Observed: 1 variant allele, 1 heterozygote.

PreventionGenetics, part of Exact Sciences
Classification: Likely benign for TMEM231-related condition. Last evaluated: 2022-02-02. Review status: no assertion criteria provided. Collection method: clinical testing. Allele origin: germline. Not counted in ClinVar's aggregate classification.
Comment: This variant is classified as likely benign based on ACMG/AMP sequence variant interpretation guidelines (Richards et al. 2015 PMID: 25741868, with internal and published modifications).